The following is an entry in ClinVar:

ClinVar aggregate classification (germline): Uncertain significance (1 of 4 stars; one submission).

Conditions:
HDAC4-related disorder. Also called: HDAC4-related condition.

Allele frequency attached by ClinVar (database versions not stated): gnomAD exomes below 0.00001.
gnomAD v4.1: 2 of 1,614,010 alleles (0.00012%); highest among the groups gnomAD compares: African/African-American, 0.0027%; no homozygotes.

Submission:

PreventionGenetics, part of Exact Sciences
Classification: Uncertain significance for HDAC4-related condition. Last evaluated: 2023-07-27. Review status: criteria provided, single submitter. Criteria: ACMG Guidelines, 2015. Collection method: clinical testing. Allele origin: germline.
Comment: The HDAC4 c.2977C>A variant is predicted to result in the amino acid substitution p.Leu993Met. To our knowledge, this variant has not been reported in the literature or in a large population database, indicating this variant is rare. At this time, the clinical significance of this variant is uncertain due to the absence of conclusive functional and genetic evidence.

NM_001378414.1(HDAC4):c.2992C>A (p.Leu998Met)

Gene: HDAC4 (histone deacetylase 4; minus strand). Cytogenetic location: 2q37.3.
Variant type: single nucleotide variant.
Coding change: c.2992C>A on transcript NM_001378414.1 (MANE Select); coding-DNA position 2992, C replaced by A.
Protein change: p.Leu998Met; replaces leucine 998 with methionine.
Molecular consequence: missense variant.
Genome position (GRCh38, 1-based): chr2:239,066,733, G>T on the plus strand (C>A on the coding strand, the complement: HDAC4 is on the minus strand). VCF-style: chr2-239066733-G-T. GRCh37 (hg19) VCF-style: chr2-239988429-G-T.
Other names: c.2992C>A, p.Leu998Met (NM_001378415.1); c.2977C>A, p.Leu993Met (NM_001378416.1, NM_001378417.1, NM_006037.4); short protein forms L993M, L998M.
Identifiers: ClinVar variation 2632371 (VCV002632371.1), dbSNP rs2033542287, ClinGen allele CA351255689.